The following is an entry in ClinVar:

NM_001942.4(DSG1):c.1156C>T (p.Arg386Cys)

Gene: DSG1 (desmoglein 1; plus strand). Cytogenetic location: 18q12.1.
Variant type: single nucleotide variant.
Coding change: c.1156C>T on transcript NM_001942.4 (MANE Select); coding-DNA position 1156, C replaced by T.
Protein change: p.Arg386Cys; replaces arginine 386 with cysteine.
Molecular consequence: missense variant.
Genome position (GRCh38, 1-based): chr18:31,336,504, C>T. VCF-style: chr18-31336504-C-T. GRCh37 (hg19) VCF-style: chr18-28916467-C-T.
Other names: short protein forms R386C.
Identifiers: ClinVar variation 2969832 (VCV002969832.3), dbSNP rs200495041, ClinGen allele CA297694951.
Genomic context (GRCh38, chr18:31,336,504, plus strand): 5'-AAACTGAAAGCATCTGCAATTTCTGTGACTGTGTTAAATGTAATTGAAGGCCCAGTGTTT[C>T]GTCCAGGTTCAAAGACATATGTTGTAACTGGTAATATGGGATCAAATGATAAAGTGGGAG-3'
Protein context (NP_001933.2, residues 376-396): VLNVIEGPVF[Arg386Cys]PGSKTYVVTG

ClinVar aggregate classification (germline): Uncertain significance (1 of 4 stars; one submission).

gnomAD v4.1: 13 of 1,613,882 alleles (0.00081%); highest among the groups gnomAD compares: African/African-American, 0.0027%; no homozygotes.

Submission:

Labcorp Genetics (formerly Invitae), Labcorp
Classification: Uncertain significance. Last evaluated: 2025-10-21. Review status: criteria provided, single submitter. Criteria: Invitae Variant Classification Sherloc (09022015). Collection method: clinical testing. Allele origin: germline.
Comment: This sequence change replaces arginine, which is basic and polar, with cysteine, which is neutral and slightly polar, at codon 386 of the DSG1 protein (p.Arg386Cys). This variant is not present in population databases (gnomAD no frequency). This variant has not been reported in the literature in individuals affected with DSG1-related conditions. ClinVar contains an entry for this variant (Variation ID: 2969832). Invitae Evidence Modeling of protein sequence and biophysical properties (such as structural, functional, and spatial information, amino acid conservation, physicochemical variation, residue mobility, and thermodynamic stability) indicates that this missense variant is not expected to disrupt DSG1 protein function with a negative predictive value of 80%. In summary, the available evidence is currently insufficient to determine the role of this variant in disease. Therefore, it has been classified as a Variant of Uncertain Significance.